The following is an entry in ClinVar:

NM_006736.6(DNAJB2):c.659G>A (p.Arg220His)

Gene: DNAJB2 (DnaJ heat shock protein family (Hsp40) member B2; plus strand). Cytogenetic location: 2q35.
Variant type: single nucleotide variant.
Coding change: c.659G>A on transcript NM_006736.6 (MANE Select); coding-DNA position 659, G replaced by A.
Protein change: p.Arg220His; replaces arginine 220 with histidine.
Molecular consequence: missense variant.
Genome position (GRCh38, 1-based): chr2:219,284,671, G>A. VCF-style: chr2-219284671-G-A. GRCh37 (hg19) VCF-style: chr2-220149393-G-A.
Other names: c.659G>A, p.Arg220His (NM_001039550.2); short protein forms R220H.
Identifiers: ClinVar variation 933610 (VCV000933610.5), dbSNP rs769850234, ClinGen allele CA2123074.

ClinVar aggregate classification (germline): Uncertain significance (1 of 4 stars; one submission).

Conditions:
Neuronopathy, distal hereditary motor, autosomal recessive 5. Also called: NEUROPATHY, DISTAL HEREDITARY MOTOR, AUTOSOMAL RECESSIVE 5; Spinal muscular atrophy, distal, autosomal recessive, 5; Young adult-onset distal hereditary motor neuropathy. Identifiers: Orphanet 314485, Orphanet 443950, MedGen C4749918, MONDO:0013947, OMIM 614881.

Allele frequency attached by ClinVar (database versions not stated): TOPMed 0.00003; ExAC 0.00002; gnomAD exomes 0.00001 and 0.00002; gnomAD 0.00001.
gnomAD v4.1: 30 of 1,606,508 alleles (0.0019%); highest among the groups gnomAD compares: Non-Finnish European, 0.0022%; no homozygotes.

Submission:

Labcorp Genetics (formerly Invitae), Labcorp
Classification: Uncertain significance for Neuronopathy, distal hereditary motor, autosomal recessive 5. Last evaluated: 2022-12-02. Review status: criteria provided, single submitter. Criteria: Invitae Variant Classification Sherloc (09022015). Collection method: clinical testing. Allele origin: germline.
Comment: In summary, the available evidence is currently insufficient to determine the role of this variant in disease. Therefore, it has been classified as a Variant of Uncertain Significance. Advanced modeling of protein sequence and biophysical properties (such as structural, functional, and spatial information, amino acid conservation, physicochemical variation, residue mobility, and thermodynamic stability) performed at Invitae indicates that this missense variant is not expected to disrupt DNAJB2 protein function. ClinVar contains an entry for this variant (Variation ID: 933610). This variant has not been reported in the literature in individuals affected with DNAJB2-related conditions. This variant is present in population databases (rs769850234, gnomAD 0.007%). This sequence change replaces arginine, which is basic and polar, with histidine, which is basic and polar, at codon 220 of the DNAJB2 protein (p.Arg220His).